The following is an entry in ClinVar:

ClinVar aggregate classification (germline): Uncertain significance (1 of 4 stars; one submission).

Conditions:
Syndromic multisystem autoimmune disease due to ITCH deficiency. Also called: AUTOIMMUNE DISEASE, MULTISYSTEM, WITH FACIAL DYSMORPHISM. Identifiers: Orphanet 228426, MedGen C3150649, MONDO:0013245, OMIM 613385.

Allele frequency attached by ClinVar (database versions not stated): gnomAD 0.00001; TOPMed 0.00007; gnomAD exomes 0.00008 and 0.00010; ExAC 0.00012.
gnomAD v4.1: 49 of 1,613,600 alleles (0.003%); highest among the groups gnomAD compares: Admixed American, 0.043%; no homozygotes.

Submission:

Labcorp Genetics (formerly Invitae), Labcorp
Classification: Uncertain significance for Syndromic multisystem autoimmune disease due to ITCH deficiency. Last evaluated: 2022-04-28. Review status: criteria provided, single submitter. Criteria: Invitae Variant Classification Sherloc (09022015). Collection method: clinical testing. Allele origin: germline.
Comment: This sequence change replaces arginine, which is basic and polar, with histidine, which is basic and polar, at codon 224 of the ITCH protein (p.Arg224His). This variant is present in population databases (rs772473360, gnomAD 0.07%). This variant has not been reported in the literature in individuals affected with ITCH-related conditions. Algorithms developed to predict the effect of missense changes on protein structure and function are either unavailable or do not agree on the potential impact of this missense change (SIFT: "Not Available"; PolyPhen-2: "Probably Damaging"; Align-GVGD: "Not Available"). In summary, the available evidence is currently insufficient to determine the role of this variant in disease. Therefore, it has been classified as a Variant of Uncertain Significance.

NM_031483.7(ITCH):c.671G>A (p.Arg224His)

Gene: ITCH (itchy E3 ubiquitin protein ligase; plus strand). Cytogenetic location: 20q11.22.
Variant type: single nucleotide variant.
Coding change: c.671G>A on transcript NM_031483.7 (MANE Select); coding-DNA position 671, G replaced by A.
Protein change: p.Arg224His; replaces arginine 224 with histidine.
Molecular consequence: missense variant.
Genome position (GRCh38, 1-based): chr20:34,438,623, G>A. VCF-style: chr20-34438623-G-A. GRCh37 (hg19) VCF-style: chr20-33026428-G-A.
Other names: c.794G>A, p.Arg265His (NM_001257137.3, NM_001324197.2); c.341G>A, p.Arg114His (NM_001257138.3); c.671G>A, p.Arg224His (NM_001324198.2); short protein forms R114H, R224H, R265H.
Identifiers: ClinVar variation 1422994 (VCV001422994.5), dbSNP rs772473360, ClinGen allele CA9821386.